The following is an entry in ClinVar:

NM_022356.4(P3H1):c.2056-173C>T

Gene: P3H1 (prolyl 3-hydroxylase 1; minus strand). Cytogenetic location: 1p34.2.
Variant type: single nucleotide variant.
Coding change: c.2056-173C>T on transcript NM_022356.4 (MANE Select); 173 bases into the intron before coding-DNA position 2056, C replaced by T.
Molecular consequence: intron variant. On other transcripts: missense variant (1).
Genome position (GRCh38, 1-based): chr1:42,747,025, G>A on the plus strand (C>T on the coding strand, the complement: P3H1 is on the minus strand). VCF-style: chr1-42747025-G-A. GRCh37 (hg19) VCF-style: chr1-43212696-G-A.
Other names: c.2302C>T, p.Pro768Ser (NM_001243246.2); c.2075-173C>T (NM_001146289.2); short protein forms P768S.
Identifiers: ClinVar variation 3055190 (VCV003055190.2), dbSNP rs201720920, ClinGen allele CA801550.

ClinVar aggregate classification (germline): Likely benign (0 of 4 stars; one submission).

Conditions:
P3H1-related disorder. Also called: P3H1-related condition.

Allele frequency attached by ClinVar (database versions not stated): gnomAD 0.00007; gnomAD exomes 0.00008; TOPMed 0.00009; ExAC 0.00022.
gnomAD v4.1: 141 of 1,614,022 alleles (0.0087%); highest among the groups gnomAD compares: Non-Finnish European, 0.0016%; no homozygotes.

Submission:

PreventionGenetics, part of Exact Sciences
Classification: Likely benign for P3H1-related condition. Last evaluated: 2024-02-15. Review status: no assertion criteria provided. Collection method: clinical testing. Allele origin: germline.
Comment: This variant is classified as likely benign based on ACMG/AMP sequence variant interpretation guidelines (Richards et al. 2015 PMID: 25741868, with internal and published modifications).